The following is an entry in ClinVar:

ClinVar aggregate classification (germline): Likely benign (1 of 4 stars; one submission).

Allele frequency attached by ClinVar (database versions not stated): ExAC 0.00001; gnomAD exomes 0.00001 and 0.00002; gnomAD 0.00004; TOPMed 0.00004.
gnomAD v4.1: 14 of 1,614,068 alleles (0.00087%); highest among the groups gnomAD compares: Admixed American, 0.023%; 1 homozygote.

Submission:

GeneDx
Classification: Likely benign. Last evaluated: 2018-03-05. Review status: criteria provided, single submitter. Criteria: GeneDx Variant Classification (06012015). Collection method: clinical testing. Allele origin: germline. Affected: yes.
Comment: This variant is considered likely benign or benign based on one or more of the following criteria: it is a conservative change, it occurs at a poorly conserved position in the protein, it is predicted to be benign by multiple in silico algorithms, and/or has population frequency not consistent with disease.

NM_001205254.2(OCLN):c.544C>T (p.Leu182=)

Gene: OCLN (occludin; plus strand). Cytogenetic location: 5q13.2.
Variant type: single nucleotide variant.
Coding change: c.544C>T on transcript NM_001205254.2 (MANE Select); coding-DNA position 544, C replaced by T.
Protein change: p.Leu182=; no amino-acid change (leucine 182 retained).
Molecular consequence: synonymous variant. On other transcripts: intron variant (1).
Genome position (GRCh38, 1-based): chr5:69,509,634, C>T. VCF-style: chr5-69509634-C-T. GRCh37 (hg19) VCF-style: chr5-68805461-C-T.
Other names: c.544C>T, p.Leu182= (NM_001410743.1, NM_001438048.1, NM_001438604.1 and 1 more transcripts); c.-24-4314C>T (NM_001205255.2).
Identifiers: ClinVar variation 515879 (VCV000515879.1), dbSNP rs769537331, ClinGen allele CA3294456.